The following is an entry in ClinVar:

NM_001102469.2(LIPN):c.464T>C (p.Ile155Thr)

Gene: LIPN (lipase family member N; plus strand). Cytogenetic location: 10q23.31.
Variant type: single nucleotide variant.
Coding change: c.464T>C on transcript NM_001102469.2 (MANE Select); coding-DNA position 464, T replaced by C.
Protein change: p.Ile155Thr; replaces isoleucine 155 with threonine.
Molecular consequence: missense variant.
Genome position (GRCh38, 1-based): chr10:88,766,307, T>C. VCF-style: chr10-88766307-T-C. GRCh37 (hg19) VCF-style: chr10-90526064-T-C.
Other names: short protein forms I155T.
Identifiers: ClinVar variation 4704105 (VCV004704105.1).

ClinVar aggregate classification (germline): Uncertain significance (1 of 4 stars; one submission).

gnomAD v4.1: 11 of 1,609,248 alleles (0.00068%); highest among the groups gnomAD compares: Admixed American, 0.005%; no homozygotes.

Submission:

Labcorp Genetics (formerly Invitae), Labcorp
Classification: Uncertain significance. Last evaluated: 2025-12-25. Review status: criteria provided, single submitter. Criteria: Invitae Variant Classification Sherloc (09022015). Collection method: clinical testing. Allele origin: germline.
Comment: This sequence change replaces isoleucine, which is neutral and non-polar, with threonine, which is neutral and polar, at codon 155 of the LIPN protein (p.Ile155Thr). The frequency data for this variant in the population databases is considered unreliable, as metrics indicate poor data quality at this position in the gnomAD database. This variant has not been reported in the literature in individuals affected with LIPN-related conditions. An algorithm developed to predict the effect of missense changes on protein structure and function (PolyPhen-2) suggests that this variant is likely to be disruptive. In summary, the available evidence is currently insufficient to determine the role of this variant in disease. Therefore, it has been classified as a Variant of Uncertain Significance.